The following is an entry in ClinVar:

NM_002336.3(LRP6):c.4081+4A>C

Gene: LRP6 (LDL receptor related protein 6; minus strand). Cytogenetic location: 12p13.2.
Variant type: single nucleotide variant.
Coding change: c.4081+4A>C on transcript NM_002336.3 (MANE Select); 4 bases into the intron after coding-DNA position 4081, A replaced by C.
Molecular consequence: intron variant.
Genome position (GRCh38, 1-based): chr12:12,130,779, T>G on the plus strand (A>C on the coding strand, the complement: LRP6 is on the minus strand). VCF-style: chr12-12130779-T-G. GRCh37 (hg19) VCF-style: chr12-12283713-T-G.
Other names: c.4081+4A>C (NM_001414245.1, NM_001414248.1, NM_001414249.1 and 1 more transcripts); c.3628+4A>C (NM_001414253.1, NM_001414252.1, NM_001414254.1); c.3883+4A>C (NM_001414247.1); c.3574+4A>C (NM_001414255.1); c.3718+4A>C (NM_001414251.1); c.3946+4A>C (NM_001414246.1); c.4174+4A>C (NM_001414244.1).
Identifiers: ClinVar variation 4731676 (VCV004731676.1).

ClinVar aggregate classification (germline): Uncertain significance (1 of 4 stars; one submission).

gnomAD v4.1: 2 of 1,589,028 alleles (0.00013%); highest among the groups gnomAD compares: Non-Finnish European, 0.00017%; no homozygotes.

Submission:

Labcorp Genetics (formerly Invitae), Labcorp
Classification: Uncertain significance. Last evaluated: 2025-11-22. Review status: criteria provided, single submitter. Criteria: Invitae Variant Classification Sherloc (09022015). Collection method: clinical testing. Allele origin: germline.
Comment: This sequence change falls in intron 19 of the LRP6 gene. It does not directly change the encoded amino acid sequence of the LRP6 protein. It affects a nucleotide within the consensus splice site. This variant is not present in population databases (gnomAD no frequency). This variant has not been reported in the literature in individuals affected with LRP6-related conditions. Variants that disrupt the consensus splice site are a relatively common cause of aberrant splicing (PMID: 17576681, 9536098). Algorithms developed to predict the effect of sequence changes on RNA splicing suggest that this variant is not likely to affect RNA splicing. In summary, the available evidence is currently insufficient to determine the role of this variant in disease. Therefore, it has been classified as a Variant of Uncertain Significance.

Literature cited by the submitters: PubMed 17576681; PubMed 9536098.